The following is an entry in ClinVar:

ClinVar aggregate classification (germline): Uncertain significance (1 of 4 stars; one submission).

Submission:

Labcorp Genetics (formerly Invitae), Labcorp
Classification: Uncertain significance. Last evaluated: 2022-05-20. Review status: criteria provided, single submitter. Criteria: Invitae Variant Classification Sherloc (09022015). Collection method: clinical testing. Allele origin: germline.
Comment: In summary, the available evidence is currently insufficient to determine the role of this variant in disease. Therefore, it has been classified as a Variant of Uncertain Significance. Algorithms developed to predict the effect of missense changes on protein structure and function (SIFT, PolyPhen-2, Align-GVGD) all suggest that this variant is likely to be tolerated. This variant has not been reported in the literature in individuals affected with MED17-related conditions. This variant is not present in population databases (gnomAD no frequency). This sequence change replaces glutamic acid, which is acidic and polar, with lysine, which is basic and polar, at codon 631 of the MED17 protein (p.Glu631Lys).

NM_004268.5(MED17):c.1891G>A (p.Glu631Lys)

Gene: MED17 (mediator complex subunit 17; plus strand). Cytogenetic location: 11q21.
Variant type: single nucleotide variant.
Coding change: c.1891G>A on transcript NM_004268.5 (MANE Select); coding-DNA position 1891, G replaced by A.
Protein change: p.Glu631Lys; replaces glutamic acid 631 with lysine.
Molecular consequence: missense variant.
Genome position (GRCh38, 1-based): chr11:93,811,999, G>A. VCF-style: chr11-93811999-G-A. GRCh37 (hg19) VCF-style: chr11-93545165-G-A.
Other names: short protein forms E631K.
Identifiers: ClinVar variation 2135046 (VCV002135046.4), dbSNP rs2497558704, ClinGen allele CA382362981.